The following is an entry in ClinVar:

NM_198505.4(ATP13A5):c.849C>T (p.Pro283=)

Gene: ATP13A5 (ATPase 13A5; minus strand). Cytogenetic location: 3q29.
Variant type: single nucleotide variant.
Coding change: c.849C>T on transcript NM_198505.4 (MANE Select); coding-DNA position 849, C replaced by T.
Protein change: p.Pro283=; no amino-acid change (proline 283 retained).
Molecular consequence: synonymous variant.
Genome position (GRCh38, 1-based): chr3:193,344,021, G>A on the plus strand (C>T on the coding strand, the complement: ATP13A5 is on the minus strand). VCF-style: chr3-193344021-G-A. GRCh37 (hg19) VCF-style: chr3-193061810-G-A.
Identifiers: ClinVar variation 2654357 (VCV002654357.24), dbSNP rs770808895, ClinGen allele CA2757347.

ClinVar aggregate classification (germline): Likely benign (1 of 4 stars; one submission).

Allele frequency attached by ClinVar (database versions not stated): gnomAD exomes 0.00001; TOPMed 0.00001; ExAC 0.00002; gnomAD 0.00003.
gnomAD v4.1: 19 of 1,613,136 alleles (0.0012%); highest among the groups gnomAD compares: African/African-American, 0.0053%; no homozygotes.

Submission:

CeGaT Center for Human Genetics Tuebingen
Classification: Likely benign. Last evaluated: 2022-06-01. Review status: criteria provided, single submitter. Criteria: CeGaT Center For Human Genetics Tuebingen Variant Classification Criteria Version 2. Collection method: clinical testing. Allele origin: germline. Affected: yes. Observed: 1 variant allele.
Comment: ATP13A5: BP4, BP7